The following is an entry in ClinVar:

ClinVar aggregate classification (germline): Likely benign. Review status: criteria provided, multiple submitters, no conflicts (2 of 4 stars). 2 submissions from 2 submitters: Likely benign (2). Last evaluated 2025-01-15.

Conditions:
KMT2D-related disorder. Also called: KMT2D-Related Disorders.
Kabuki syndrome. Also called: NIIKAWA-KUROKI SYNDROME; Kabuki make-up syndrome. Identifiers: Orphanet 2322, MedGen C0796004, MONDO:0016512.

Allele frequency attached by ClinVar (database versions not stated): TOPMed 0.00001.

Submissions (2):

PreventionGenetics, part of Exact Sciences
Classification: Likely benign for KMT2D-related condition. Last evaluated: 2025-01-15. Review status: criteria provided, single submitter. Criteria: ACMG Guidelines, 2015. Collection method: clinical testing. Allele origin: germline.
Comment: This variant is classified as likely benign based on ACMG/AMP sequence variant interpretation guidelines (Richards et al. 2015 PMID: 25741868, with internal and published modifications).

Labcorp Genetics (formerly Invitae), Labcorp
Classification: Likely benign for Kabuki syndrome. Last evaluated: 2024-11-04. Review status: criteria provided, single submitter. Criteria: Invitae Variant Classification Sherloc (09022015). Collection method: clinical testing. Allele origin: germline.

NM_003482.4(KMT2D):c.2910G>A (p.Glu970=)

Gene: KMT2D (lysine methyltransferase 2D; minus strand). Cytogenetic location: 12q13.12.
Variant type: single nucleotide variant.
Coding change: c.2910G>A on transcript NM_003482.4 (MANE Select); coding-DNA position 2910, G replaced by A.
Protein change: p.Glu970=; no amino-acid change (glutamic acid 970 retained).
Molecular consequence: synonymous variant.
Genome position (GRCh38, 1-based): chr12:49,050,678, C>T on the plus strand (G>A on the coding strand, the complement: KMT2D is on the minus strand). VCF-style: chr12-49050678-C-T. GRCh37 (hg19) VCF-style: chr12-49444461-C-T.
Other names: c.2910G>A (NM_003482.3).
Identifiers: ClinVar variation 1612260 (VCV001612260.9), dbSNP rs1937912840, ClinGen allele CA479713783.